The following is an entry in ClinVar:

NC_000019.10:g.(?_10986179)_(11061826_?)dup

Gene: SMARCA4 (SWI/SNF related BAF chromatin remodeling complex subunit ATPase 4; plus strand). Cytogenetic location: 19p13.2.
Variant type: Duplication.
Identifiers: ClinVar variation 831207 (VCV000831207.5).

ClinVar aggregate classification (germline): Uncertain significance (1 of 4 stars; one submission).

Conditions:
Rhabdoid tumor predisposition syndrome 2 (RTPS2). Identifiers: Orphanet 231108, Orphanet 69077, MedGen C2750074, MONDO:0013224, OMIM 613325.

Submission:

Labcorp Genetics (formerly Invitae), Labcorp
Classification: Uncertain significance for Rhabdoid tumor predisposition syndrome 2. Last evaluated: 2019-03-21. Review status: criteria provided, single submitter. Criteria: Invitae Variant Classification Sherloc (09022015). Collection method: clinical testing. Allele origin: germline.
Comment: This variant results in a copy number gain of the genomic region encompassing exons 4-36 of the SMARCA4 gene. The 5' boundary is likely confined to intron 3. The 3' end of this event is unknown as it extends beyond the assayed region for this gene and therefore may encompass additional genes. As the precise location of this event is unknown, it may be in tandem or it may be located elsewhere in the genome. This variant has not been reported in the literature in individuals with SMARCA4-related conditions. Experimental studies and prediction algorithms are not available for this variant, and the functional significance of the affected amino acid(s) is currently unknown. In summary, the available evidence is currently insufficient to determine the role of this variant in disease. Therefore, it has been classified as a Variant of Uncertain Significance.